The following is an entry in ClinVar:

NM_001277115.2(DNAH11):c.1710+3T>G

Gene: DNAH11 (dynein axonemal heavy chain 11; plus strand). Cytogenetic location: 7p15.3.
Variant type: single nucleotide variant.
Coding change: c.1710+3T>G on transcript NM_001277115.2 (MANE Select); 3 bases into the intron after coding-DNA position 1710, T replaced by G.
Molecular consequence: intron variant.
Genome position (GRCh38, 1-based): chr7:21,582,024, T>G. VCF-style: chr7-21582024-T-G. GRCh37 (hg19) VCF-style: chr7-21621642-T-G.
Other names: c.1710+3T>G (NM_001277115.1).
Identifiers: ClinVar variation 1405042 (VCV001405042.5), dbSNP rs376968286, ClinGen allele CA155068823.
Genomic context (GRCh38, chr7:21,582,024, plus strand): 5'-TGGGACAATTATTTGTGAAGCTTTCTTTAACTGCAATGGCTTAGAAGCTGCATTTAAGGT[T>G]AGTTCTGAAGAAGCTATCATAAAAAACGTTTACTATGAATAATATAGGCTGTTAAATGAA-3'

ClinVar aggregate classification (germline): Uncertain significance. Review status: criteria provided, single submitter (1 of 4 stars). 2 submissions from 2 submitters: Uncertain significance (1). 1 of the submissions does not count toward it. Last evaluated 2021-07-26.

Conditions:
DNAH11-related disorder. Also called: DNAH11-related condition.
Primary ciliary dyskinesia. Also called: Ciliary dyskinesia. Identifiers: Orphanet 244, MedGen C0008780, MONDO:0016575, HP:0012265.

Allele frequency attached by ClinVar (database versions not stated): gnomAD exomes below 0.00001 and 0.00001; gnomAD 0.00001; TOPMed 0.00003.
gnomAD v4.1: 15 of 1,586,760 alleles (0.00095%); highest among the groups gnomAD compares: East Asian, 0.0067%; no homozygotes.

Submissions (2):

Labcorp Genetics (formerly Invitae), Labcorp
Classification: Uncertain significance for Primary ciliary dyskinesia. Last evaluated: 2021-07-26. Review status: criteria provided, single submitter. Criteria: Invitae Variant Classification Sherloc (09022015). Collection method: clinical testing. Allele origin: germline.
Comment: This sequence change falls in intron 9 of the DNAH11 gene. It does not directly change the encoded amino acid sequence of the DNAH11 protein. It affects a nucleotide within the consensus splice site of the intron. This variant is not present in population databases (ExAC no frequency). This variant has not been reported in the literature in individuals affected with DNAH11-related conditions. Nucleotide substitutions within the consensus splice site are a relatively common cause of aberrant splicing (PMID: 17576681, 9536098). Algorithms developed to predict the effect of sequence changes on RNA splicing suggest that this variant is not likely to affect RNA splicing. In summary, the available evidence is currently insufficient to determine the role of this variant in disease. Therefore, it has been classified as a Variant of Uncertain Significance.

PreventionGenetics, part of Exact Sciences
Classification: Likely benign for DNAH11-related condition. Last evaluated: 2019-02-20. Review status: no assertion criteria provided. Collection method: clinical testing. Allele origin: germline. Not counted in ClinVar's aggregate classification.
Comment: This variant is classified as likely benign based on ACMG/AMP sequence variant interpretation guidelines (Richards et al. 2015 PMID: 25741868, with internal and published modifications).

Literature cited by the submitters: PubMed 17576681 (cited by Labcorp Genetics (formerly Invitae), Labcorp); PubMed 9536098 (cited by Labcorp Genetics (formerly Invitae), Labcorp).